The following is an entry in ClinVar:

ClinVar aggregate classification (germline): Uncertain significance. Review status: criteria provided, multiple submitters, no conflicts (2 of 4 stars). 3 submissions from 3 submitters: Uncertain significance (2). 1 of the submissions does not count toward it. Last evaluated 2026-01-05.

Conditions:
MKS1-related disorder. Also called: MKS1-related condition; MKS1-related disorders. Identifiers: MedGen CN239382.
Joubert syndrome 28 (JBTS28). Identifiers: MedGen C4310705, MONDO:0014928, OMIM 617121.
Bardet-Biedl syndrome 13 (BBS13). Identifiers: Orphanet 110, MedGen C2673873, MONDO:0014441, OMIM 615990.
Meckel syndrome, type 1 (MKS1). Also called: MECKEL-GRUBER SYNDROME, TYPE 1. Identifiers: Orphanet 564, MedGen C3714506, MONDO:0009571, OMIM 249000.
Joubert syndrome. Also called: Familial aplasia of the vermis; JOUBERT-BOLTSHAUSER SYNDROME. Identifiers: Orphanet 475, MedGen C5979921, MONDO:0018772.
Meckel-Gruber syndrome. Also called: Dysencephalia splachnocystica; DYSENCEPHALIA SPLANCHNOCYSTICA; GRUBER SYNDROME. Identifiers: Orphanet 564, MedGen C0265215, MONDO:0018921.

Allele frequency attached by ClinVar (database versions not stated): gnomAD 0.00001; TOPMed 0.00001; ExAC 0.00002; gnomAD exomes 0.00002.
gnomAD v4.1: 17 of 1,613,742 alleles (0.0011%); highest among the groups gnomAD compares: Admixed American, 0.0033%; no homozygotes.

Submissions (3):

Labcorp Genetics (formerly Invitae), Labcorp
Classification: Uncertain significance for Joubert syndrome; Meckel-Gruber syndrome. Last evaluated: 2026-01-05. Review status: criteria provided, single submitter. Criteria: Invitae Variant Classification Sherloc (09022015). Collection method: clinical testing. Allele origin: germline.
Comment: This sequence change affects codon 319 of the MKS1 mRNA. It is a 'silent' change, meaning that it does not change the encoded amino acid sequence of the MKS1 protein. It affects a nucleotide within the consensus splice site. This variant is present in population databases (rs770067106, gnomAD 0.007%). This variant has not been reported in the literature in individuals affected with MKS1-related conditions. ClinVar contains an entry for this variant (Variation ID: 1419555). Algorithms developed to predict the effect of sequence changes on RNA splicing suggest that this variant may disrupt the consensus splice site. In summary, the available evidence is currently insufficient to determine the role of this variant in disease. Therefore, it has been classified as a Variant of Uncertain Significance.

Fulgent Genetics
Classification: Uncertain significance for Meckel syndrome, type 1; Bardet-Biedl syndrome 13; Joubert syndrome 28. Last evaluated: 2024-01-22. Review status: criteria provided, single submitter. Criteria: ACMG Guidelines, 2015. Collection method: clinical testing. Allele origin: germline.

PreventionGenetics, part of Exact Sciences
Classification: Likely benign for MKS1-related condition. Last evaluated: 2024-05-01. Review status: no assertion criteria provided. Collection method: clinical testing. Allele origin: germline. Not counted in ClinVar's aggregate classification.
Comment: This variant is classified as likely benign based on ACMG/AMP sequence variant interpretation guidelines (Richards et al. 2015 PMID: 25741868, with internal and published modifications).

NM_017777.4(MKS1):c.957C>T (p.Val319=)

Gene: MKS1 (MKS transition zone complex subunit 1; minus strand). Cytogenetic location: 17q22.
Variant type: single nucleotide variant.
Coding change: c.957C>T on transcript NM_017777.4 (MANE Select); coding-DNA position 957, C replaced by T.
Protein change: p.Val319=; no amino-acid change (valine 319 retained).
Molecular consequence: synonymous variant.
Genome position (GRCh38, 1-based): chr17:58,210,981, G>A on the plus strand (C>T on the coding strand, the complement: MKS1 is on the minus strand). VCF-style: chr17-58210981-G-A. GRCh37 (hg19) VCF-style: chr17-56288342-G-A.
Other names: c.957C>T (NM_017777.3); c.348C>T, p.Val116= (NM_001321268.2); c.957C>T, p.Val319= (NM_001321269.2, NM_001330397.2).
Identifiers: ClinVar variation 1419555 (VCV001419555.6), dbSNP rs770067106, ClinGen allele CA8669336.